The following is an entry in ClinVar:

NM_014844.5(TECPR2):c.2752+91G>A

Gene: TECPR2 (tectonin beta-propeller repeat containing 2; plus strand). Cytogenetic location: 14q32.31.
Variant type: single nucleotide variant.
Coding change: c.2752+91G>A on transcript NM_014844.5 (MANE Select); 91 bases into the intron after coding-DNA position 2752, G replaced by A.
Molecular consequence: intron variant.
Genome position (GRCh38, 1-based): chr14:102,440,700, G>A. VCF-style: chr14-102440700-G-A. GRCh37 (hg19) VCF-style: chr14-102907037-G-A.
Other names: c.2752+91G>A (NM_001172631.3).
Identifiers: ClinVar variation 672796 (VCV000672796.2), dbSNP rs2295974, ClinGen allele CA267059787.
Genomic context (GRCh38, chr14:102,440,700, plus strand): 5'-AGCTCTGCCGTCACTGCCTCTGCTGCACCCTGCTTTGCTAGTAACATGCTTACCACAATC[G>A]CTATGATTAAGAGGCTAAATCCATTCGAATTAAGACACTTCTGGGAAGAGAGTATTTGCC-3'

ClinVar aggregate classification (germline): Benign. Review status: criteria provided, multiple submitters, no conflicts (2 of 4 stars). 2 submissions from 2 submitters: Benign (2). Last evaluated 2018-06-14.

Allele frequency attached by ClinVar (database versions not stated): gnomAD 0.04162 and 0.04168; 1000 Genomes Project 30x 0.04279; 1000 Genomes Project 0.04313; TOPMed 0.04331.
gnomAD v4.1: 48,757 of 1,443,350 alleles (3.4%); highest among the groups gnomAD compares: African/African-American, 5.6%; 954 homozygotes.

Submissions (2):

GeneDx
Classification: Benign. Last evaluated: 2018-06-14. Review status: criteria provided, single submitter. Criteria: GeneDx Variant Classification (06012015). Collection method: clinical testing. Allele origin: germline. Affected: yes.
Comment: This variant is considered likely benign or benign based on one or more of the following criteria: it is a conservative change, it occurs at a poorly conserved position in the protein, it is predicted to be benign by multiple in silico algorithms, and/or has population frequency not consistent with disease.

Breakthrough Genomics
Classification: Benign. Review status: criteria provided, single submitter. Criteria: ACMG Guidelines, 2015. Collection method: not provided. Allele origin: germline. Inheritance: Autosomal recessive inheritance. Affected: yes.